The following is an entry in ClinVar:

ClinVar aggregate classification (germline): Conflicting classifications of pathogenicity. Review status: criteria provided, conflicting classifications (1 of 4 stars). 9 submissions from 7 submitters: Uncertain significance (5); Benign (2); Likely benign (1). 1 of the submissions does not count toward it. Last evaluated 2025-06-12.

Conditions:
Familial Mediterranean fever (FMF). Also called: Periodic peritonitis; Benign paroxysmal peritonitis; POLYSEROSITIS, FAMILIAL PAROXYSMAL; POLYSEROSITIS, RECURRENT. Identifiers: Orphanet 342, MedGen C0031069, MONDO:0018088, OMIM 249100. Disease mechanism: gain of function.
Familial Mediterranean fever, autosomal dominant. Also called: Dominant Familial Mediterranean Fever; FMF, AUTOSOMAL DOMINANT. Identifiers: Orphanet 342, MedGen C1851347, MONDO:0007601, OMIM 134610.
Acute febrile neutrophilic dermatosis (AFND). Also called: Sweet Syndrome; Gomm Button disease. Identifiers: Orphanet 3243, MedGen C0085077, MONDO:0011959, OMIM 608068.

Allele frequency attached by ClinVar (database versions not stated): gnomAD 0.00010 and 0.00011; TOPMed 0.00010.
gnomAD v4.1: 32 of 1,614,078 alleles (0.002%); highest among the groups gnomAD compares: African/African-American, 0.029%; no homozygotes.

Submissions (9):

Labcorp Genetics (formerly Invitae), Labcorp
Classification: Uncertain significance for Familial Mediterranean fever. Last evaluated: 2025-06-12. Review status: criteria provided, single submitter. Criteria: Invitae Variant Classification Sherloc (09022015). Collection method: clinical testing. Allele origin: germline.
Comment: This sequence change replaces aspartic acid, which is acidic and polar, with asparagine, which is neutral and polar, at codon 391 of the MEFV protein (p.Asp391Asn). This variant is present in population databases (rs764274816, gnomAD 0.03%). This missense change has been observed in individual(s) with clinical features of MEFV-related conditions (PMID: 21520333, 35358658). ClinVar contains an entry for this variant (Variation ID: 450568). An algorithm developed to predict the effect of missense changes on protein structure and function (PolyPhen-2) suggests that this variant is likely to be tolerated. In summary, the available evidence is currently insufficient to determine the role of this variant in disease. Therefore, it has been classified as a Variant of Uncertain Significance.

ARUP Laboratories, Molecular Genetics and Genomics, ARUP Laboratories
Classification: Uncertain significance. Last evaluated: 2023-04-28. Review status: criteria provided, single submitter. Criteria: ARUP Molecular Germline Variant Investigation Process 2024. Collection method: clinical testing. Allele origin: germline.
Comment: The MEFV c.1171G>A; p.Asp391Asn variant (rs764274816), to our knowledge, is not reported in the medical literature but is reported in ClinVar (Variation ID: 450568). This variant is observed in the general population with an overall allele frequency of 0.004% (11/282670 alleles) in the Genome Aggregation Database. Computational analyses predict that this variant is neutral (REVEL: 0.065). Due to limited information, the clinical significance of this variant is uncertain at this time.

Genome-Nilou Lab
Classification: Likely benign for Familial Mediterranean fever. Last evaluated: 2023-02-08. Review status: criteria provided, single submitter. Criteria: ACMG Guidelines, 2015. Collection method: clinical testing. Allele origin: germline.

Genome-Nilou Lab
Classification: Benign for Familial Mediterranean fever, autosomal dominant. Last evaluated: 2023-02-08. Review status: criteria provided, single submitter. Criteria: ACMG Guidelines, 2015. Collection method: clinical testing. Allele origin: germline.

Genome-Nilou Lab
Classification: Benign for Acute febrile neutrophilic dermatosis. Last evaluated: 2023-02-08. Review status: criteria provided, single submitter. Criteria: ACMG Guidelines, 2015. Collection method: clinical testing. Allele origin: germline.

Fulgent Genetics
Classification: Uncertain significance for Familial Mediterranean fever, autosomal dominant; Familial Mediterranean fever; Acute febrile neutrophilic dermatosis. Last evaluated: 2022-02-24. Review status: criteria provided, single submitter. Criteria: ACMG Guidelines, 2015. Collection method: clinical testing. Allele origin: unknown.

CeGaT Center for Human Genetics Tuebingen
Classification: Uncertain significance. Last evaluated: 2020-12-01. Review status: criteria provided, single submitter. Criteria: CeGaT Center For Human Genetics Tuebingen Variant Classification Criteria Version 2. Collection method: clinical testing. Allele origin: germline. Affected: yes. Observed: 1 variant allele.

GeneDx
Classification: Uncertain significance. Last evaluated: 2017-07-17. Review status: criteria provided, single submitter. Criteria: GeneDx Variant Classification (06012015). Collection method: clinical testing. Allele origin: germline. Affected: yes.
Comment: The D391N variant has not been published as a pathogenic variant, nor has it been reported as a benign variant to our knowledge. The variant is observed in 4/10336 (0.039%) alleles from individuals of African background in the ExAC dataset (Lek et al., 2016). D391N is a semi-conservative amino acid substitution, which may impact secondary protein structure as these residues differ in some properties. However, this substitution occurs at a position that is not conserved, and in silico analysis predicts this variant likely does not alter the protein structure/function. In summary, based on the currently available information, it is unclear whether this variant is a pathogenic variant or a rare benign variant.

Natera, Inc.
Classification: Uncertain significance for Familial Mediterranean fever. Last evaluated: 2019-10-28. Review status: no assertion criteria provided. Collection method: clinical testing. Allele origin: germline. Not counted in ClinVar's aggregate classification.

Literature cited by the submitters: PubMed 21520333 (cited by Labcorp Genetics (formerly Invitae), Labcorp); PubMed 35358658 (cited by Labcorp Genetics (formerly Invitae), Labcorp).

NM_000243.3(MEFV):c.1171G>A (p.Asp391Asn)

Gene: MEFV (MEFV innate immunity regulator, pyrin; minus strand). Cytogenetic location: 16p13.3.
Variant type: single nucleotide variant.
Coding change: c.1171G>A on transcript NM_000243.3 (MANE Select); coding-DNA position 1171, G replaced by A.
Protein change: p.Asp391Asn; replaces aspartic acid 391 with asparagine.
Molecular consequence: missense variant.
Genome position (GRCh38, 1-based): chr16:3,249,520, C>T on the plus strand (G>A on the coding strand, the complement: MEFV is on the minus strand). VCF-style: chr16-3249520-C-T. GRCh37 (hg19) VCF-style: chr16-3299520-C-T.
Other names: c.538G>A, p.Asp180Asn (NM_001198536.2); short protein forms D391N, D180N.
Identifiers: ClinVar variation 450568 (VCV000450568.51), dbSNP rs764274816, ClinGen allele CA7860224.